The following is an entry in ClinVar:

ClinVar aggregate classification (germline): Uncertain significance (1 of 4 stars; one submission).

Conditions:
Hereditary cancer-predisposing syndrome. Also called: Neoplastic Syndromes, Hereditary; Tumor predisposition; Hereditary Cancer Syndrome; Hereditary neoplastic syndrome. Identifiers: Orphanet 140162, MedGen C0027672, MeSH D009386, MONDO:0015356.

Submission:

Ambry Genetics
Classification: Uncertain significance for Hereditary cancer-predisposing syndrome. Last evaluated: 2021-12-31. Review status: criteria provided, single submitter. Criteria: Ambry Variant Classification Scheme 2023. Collection method: clinical testing. Allele origin: germline.
Comment: The p.E740Q variant (also known as c.2218G>C), located in coding exon 14 of the SMARCA4 gene, results from a G to C substitution at nucleotide position 2218. The glutamic acid at codon 740 is replaced by glutamine, an amino acid with highly similar properties. This amino acid position is highly conserved in available vertebrate species. In addition, this alteration is predicted to be deleterious by in silico analysis. Missense and in-frame variants in SMARCA4 are known to cause neurodevelopmental disorders; however, such associations with rhabdoid tumor predisposition syndrome including small cell carcinoma of the ovary-hypercalcemic type (SCCOHT) are exceedingly rare (Kosho T et al. Am J Med Genet C Semin Med Genet. 2014 Sep;166C(3):262-75; Jelinic P et al. Nat Genet. 2014 May;46(5):424-6). Since supporting evidence is limited at this time, the clinical significance of this alteration remains unclear.

NM_003072.5(SMARCA4):c.2218G>C (p.Glu740Gln)

Gene: SMARCA4 (SWI/SNF related BAF chromatin remodeling complex subunit ATPase 4; plus strand). Cytogenetic location: 19p13.2.
Variant type: single nucleotide variant.
Coding change: c.2218G>C on transcript NM_003072.5 (MANE Select); coding-DNA position 2218, G replaced by C.
Protein change: p.Glu740Gln; replaces glutamic acid 740 with glutamine.
Molecular consequence: missense variant. On other transcripts: non-coding transcript variant (1).
Genome position (GRCh38, 1-based): chr19:11,010,475, G>C. VCF-style: chr19-11010475-G-C. GRCh37 (hg19) VCF-style: chr19-11121151-G-C.
Other names: c.2218G>C, p.Glu740Gln (NM_001128844.3, NM_001128845.2, NM_001128846.2 and 6 more transcripts); short protein forms E740Q.
Identifiers: ClinVar variation 1787868 (VCV001787868.2), dbSNP rs2146237266, ClinGen allele CA404052854.